The following is an entry in ClinVar:

NM_014014.5(SNRNP200):c.3832T>C (p.Cys1278Arg)

Gene: SNRNP200 (small nuclear ribonucleoprotein U5 subunit 200; minus strand). Cytogenetic location: 2q11.2.
Variant type: single nucleotide variant.
Coding change: c.3832T>C on transcript NM_014014.5 (MANE Select); coding-DNA position 3832, T replaced by C.
Protein change: p.Cys1278Arg; replaces cysteine 1278 with arginine.
Molecular consequence: missense variant.
Genome position (GRCh38, 1-based): chr2:96,286,482, A>G on the plus strand (T>C on the coding strand, the complement: SNRNP200 is on the minus strand). VCF-style: chr2-96286482-A-G. GRCh37 (hg19) VCF-style: chr2-96952220-A-G.
Other names: short protein forms C1278R.
Identifiers: ClinVar variation 1362493 (VCV001362493.8), dbSNP rs2104343990, ClinGen allele CA347671045.

ClinVar aggregate classification (germline): Uncertain significance (1 of 4 stars; one submission).

Submission:

Labcorp Genetics (formerly Invitae), Labcorp
Classification: Uncertain significance. Last evaluated: 2021-06-19. Review status: criteria provided, single submitter. Criteria: Invitae Variant Classification Sherloc (09022015). Collection method: clinical testing. Allele origin: germline.
Comment: In summary, the available evidence is currently insufficient to determine the role of this variant in disease. Therefore, it has been classified as a Variant of Uncertain Significance. Algorithms developed to predict the effect of missense changes on protein structure and function are either unavailable or do not agree on the potential impact of this missense change (SIFT: "Deleterious"; PolyPhen-2: "Benign"; Align-GVGD: "Class C0"). This variant has not been reported in the literature in individuals with SNRNP200-related conditions. This variant is not present in population databases (ExAC no frequency). This sequence change replaces cysteine with arginine at codon 1278 of the SNRNP200 protein (p.Cys1278Arg). The cysteine residue is moderately conserved and there is a large physicochemical difference between cysteine and arginine.